The following is an entry in ClinVar:

ClinVar aggregate classification (germline): Likely pathogenic (1 of 4 stars; one submission).

Submission:

CeGaT Center for Human Genetics Tuebingen
Classification: Likely pathogenic. Last evaluated: 2024-12-01. Review status: criteria provided, single submitter. Criteria: CeGaT Center For Human Genetics Tuebingen Variant Classification Criteria Version 2. Collection method: clinical testing. Allele origin: germline. Affected: yes. Observed: 2 variant alleles.
Comment: DSP: PVS1:Strong, PM2

NM_004415.4(DSP):c.8058del (p.Arg2687fs)

Gene: DSP (desmoplakin; plus strand). Cytogenetic location: 6p24.3.
Variant type: Deletion.
Coding change: c.8058del on transcript NM_004415.4 (MANE Select); coding-DNA position 8058, one base deleted (C; older notation c.8058delC).
Protein change: p.Arg2687fs; shifts the reading frame from arginine 2687.
Molecular consequence: frameshift variant.
Genome position (GRCh38, 1-based): chr6:7,585,320, C deleted; the last of 2 consecutive C bases (chr6:7,585,319-7,585,320); deleting either gives the same sequence. VCF-style (leftmost placement, unchanged base first): chr6-7585318-AC-A. GRCh37 (hg19) VCF-style: chr6-7585551-AC-A.
Other names: c.6261del, p.Arg2088fs (NM_001008844.3); c.6729del, p.Arg2244fs (NM_001319034.2); short protein forms R2088fs, R2244fs, R2687fs.
Identifiers: ClinVar variation 3772173 (VCV003772173.13).